The following is an entry in ClinVar:

NM_001430.5(EPAS1):c.2387A>G (p.Lys796Arg)

Gene: EPAS1 (endothelial PAS domain protein 1; plus strand). Cytogenetic location: 2p21.
Variant type: single nucleotide variant.
Coding change: c.2387A>G on transcript NM_001430.5 (MANE Select); coding-DNA position 2387, A replaced by G.
Protein change: p.Lys796Arg; replaces lysine 796 with arginine.
Molecular consequence: missense variant.
Genome position (GRCh38, 1-based): chr2:46,382,524, A>G. VCF-style: chr2-46382524-A-G. GRCh37 (hg19) VCF-style: chr2-46609663-A-G.
Other names: short protein forms K796R.
Identifiers: ClinVar variation 2560749 (VCV002560749.2), dbSNP rs2546480916, ClinGen allele CA346706203.

ClinVar aggregate classification (germline): Uncertain significance (1 of 4 stars; one submission).

Conditions:
Inborn genetic diseases. Identifiers: MedGen C0950123, MeSH D030342.

gnomAD v4.1: 1 of 1,614,166 alleles (0.000062%); highest among the groups gnomAD compares: South Asian, 0.0011%; no homozygotes.

Submission:

Ambry Genetics
Classification: Uncertain significance for Inborn genetic diseases. Last evaluated: 2023-04-23. Review status: criteria provided, single submitter. Criteria: Ambry Variant Classification Scheme 2023. Collection method: clinical testing. Allele origin: germline.
Comment: The p.K796R variant (also known as c.2387A>G), located in coding exon 15 of the EPAS1 gene, results from an A to G substitution at nucleotide position 2387. The lysine at codon 796 is replaced by arginine, an amino acid with highly similar properties. This amino acid position is conserved. In addition, this alteration is predicted to be tolerated by in silico analysis. Since supporting evidence is limited at this time, the clinical significance of this alteration remains unclear.